The following is an entry in ClinVar:

ClinVar aggregate classification (germline): Uncertain significance (1 of 4 stars; one submission).

Conditions:
Cardiovascular phenotype. Identifiers: MedGen CN230736.

Allele frequency attached by ClinVar (database versions not stated): TOPMed below 0.00001.
gnomAD v4.1: 1 of 1,614,090 alleles (0.000062%); highest among the groups gnomAD compares: African/African-American, 0.0013%; no homozygotes.

Submission:

Ambry Genetics
Classification: Uncertain significance for Cardiovascular phenotype. Last evaluated: 2023-10-17. Review status: criteria provided, single submitter. Criteria: Ambry Variant Classification Scheme 2023. Collection method: clinical testing. Allele origin: germline.
Comment: The c.1333A>G (p.I445V) alteration is located in exon 11 (coding exon 11) of the TRPM4 gene. This alteration results from an A to G substitution at nucleotide position 1333, causing the isoleucine (I) at amino acid position 445 to be replaced by a valine (V). This variant was not reported in population-based cohorts in the Genome Aggregation Database (gnomAD). This amino acid position is not well conserved in available vertebrate species. This alteration is predicted to be tolerated by in silico analysis. Based on insufficient or conflicting evidence, the clinical significance of this alteration remains unclear.

NM_017636.4(TRPM4):c.1333A>G (p.Ile445Val)

Gene: TRPM4 (transient receptor potential cation channel subfamily M member 4; plus strand). Cytogenetic location: 19q13.33.
Variant type: single nucleotide variant.
Coding change: c.1333A>G on transcript NM_017636.4 (MANE Select); coding-DNA position 1333, A replaced by G.
Protein change: p.Ile445Val; replaces isoleucine 445 with valine.
Molecular consequence: missense variant. On other transcripts: 5 prime UTR variant (1).
Genome position (GRCh38, 1-based): chr19:49,182,647, A>G. VCF-style: chr19-49182647-A-G. GRCh37 (hg19) VCF-style: chr19-49685904-A-G.
Other names: c.1333A>G, p.Ile445Val (NM_001195227.2); c.988A>G, p.Ile330Val (NM_001321281.2); c.-221A>G (NM_001321282.2); c.811A>G, p.Ile271Val (NM_001321283.2); c.271A>G, p.Ile91Val (NM_001321285.2); short protein forms I445V, I330V, I91V, I271V.
Identifiers: ClinVar variation 3183341 (VCV003183341.1), dbSNP rs1968025015, ClinGen allele CA406799115.